The following is an entry in ClinVar:

ClinVar aggregate classification (germline): Uncertain significance (1 of 4 stars; one submission).

Conditions:
Arrhythmogenic right ventricular dysplasia 8 (ARVD8). Also called: Arrhythmogenic Right Ventricular Dysplasia/Cardiomyopathy 8; ARRHYTHMOGENIC RIGHT VENTRICULAR DYSPLASIA, FAMILIAL, 8; ARRHYTHMOGENIC RIGHT VENTRICULAR CARDIOMYOPATHY 8. Identifiers: MedGen C1843896, MONDO:0011831, OMIM 607450.
Arrhythmogenic cardiomyopathy with wooly hair and keratoderma. Also called: PALMOPLANTAR KERATODERMA WITH LEFT VENTRICULAR CARDIOMYOPATHY AND WOOLLY HAIR; Dilated cardiomyopathy with woolly hair and keratoderma; Arrhythmogenic cardiomyopathy with woolly hair and keratoderma; Carvajal syndrome. Identifiers: Orphanet 65282, MedGen C1854063, MONDO:0011581, OMIM 605676.

gnomAD v4.1: 1 of 1,613,536 alleles (0.000062%); highest among the groups gnomAD compares: African/African-American, 0.0013%; no homozygotes.

Submission:

Labcorp Genetics (formerly Invitae), Labcorp
Classification: Uncertain significance for Arrhythmogenic cardiomyopathy with wooly hair and keratoderma; Arrhythmogenic right ventricular dysplasia 8. Last evaluated: 2025-10-13. Review status: criteria provided, single submitter. Criteria: Invitae Variant Classification Sherloc (09022015). Collection method: clinical testing. Allele origin: germline.
Comment: This sequence change replaces proline, which is neutral and non-polar, with alanine, which is neutral and non-polar, at codon 91 of the DSP protein (p.Pro91Ala). This variant is present in population databases (rs778359714, gnomAD 0.01%). This variant has not been reported in the literature in individuals affected with DSP-related conditions. An algorithm developed to predict the effect of missense changes on protein structure and function (PolyPhen-2) suggests that this variant is likely to be disruptive. In summary, the available evidence is currently insufficient to determine the role of this variant in disease. Therefore, it has been classified as a Variant of Uncertain Significance.

NM_004415.4(DSP):c.271C>G (p.Pro91Ala)

Gene: DSP (desmoplakin; plus strand). Cytogenetic location: 6p24.3.
Variant type: single nucleotide variant.
Coding change: c.271C>G on transcript NM_004415.4 (MANE Select); coding-DNA position 271, C replaced by G.
Protein change: p.Pro91Ala; replaces proline 91 with alanine.
Molecular consequence: missense variant.
Genome position (GRCh38, 1-based): chr6:7,555,818, C>G. VCF-style: chr6-7555818-C-G. GRCh37 (hg19) VCF-style: chr6-7556051-C-G.
Other names: c.271C>G, p.Pro91Ala (NM_001008844.3, NM_001319034.2, NM_001406591.1); short protein forms P91A.
Identifiers: ClinVar variation 4794138 (VCV004794138.1).